The following is an entry in ClinVar:

ClinVar aggregate classification (germline): Uncertain significance (1 of 4 stars; one submission).

Conditions:
Inborn genetic diseases. Identifiers: MedGen C0950123, MeSH D030342.

gnomAD v4.1: 2 of 1,608,950 alleles (0.00012%); highest among the groups gnomAD compares: South Asian, 0.0022%; no homozygotes.

Submission:

Ambry Genetics
Classification: Uncertain significance for Inborn genetic diseases. Last evaluated: 2024-04-18. Review status: criteria provided, single submitter. Criteria: Ambry Variant Classification Scheme 2023. Collection method: clinical testing. Allele origin: germline.
Comment: The p.V146L variant (also known as c.436G>T), located in coding exon 2 of the ACD gene, results from a G to T substitution at nucleotide position 436. The valine at codon 146 is replaced by leucine, an amino acid with highly similar properties. This amino acid position is conserved. In addition, this alteration is predicted to be tolerated by in silico analysis. Based on the available evidence, the clinical significance of this variant remains unclear.

NM_001082486.2(ACD):c.178G>T (p.Val60Leu)

Gene: ACD (ACD shelterin complex subunit and telomerase recruitment factor; minus strand). Cytogenetic location: 16q22.1.
Variant type: single nucleotide variant.
Coding change: c.178G>T on transcript NM_001082486.2 (MANE Select); coding-DNA position 178, G replaced by T.
Protein change: p.Val60Leu; replaces valine 60 with leucine.
Molecular consequence: missense variant.
Genome position (GRCh38, 1-based): chr16:67,659,967, C>A on the plus strand (G>T on the coding strand, the complement: ACD is on the minus strand). VCF-style: chr16-67659967-C-A. GRCh37 (hg19) VCF-style: chr16-67693870-C-A.
Other names: c.178G>T, p.Val60Leu (NM_001410884.1); c.169G>T, p.Val57Leu (NM_022914.3); short protein forms V60L, V57L.
Identifiers: ClinVar variation 3261521 (VCV003261521.1).